The following is an entry in ClinVar:

ClinVar aggregate classification (germline): Likely benign (1 of 4 stars; one submission).

Conditions:
Ehlers-Danlos syndrome, dermatosparaxis type. Also called: EDS VIIC; Dermatosparaxis; Ehlers-Danlos syndrome, type VII, autosomal recessive. Identifiers: Orphanet 1901, MedGen C2700425, MONDO:0009161, OMIM 225410.

Allele frequency attached by ClinVar (database versions not stated): gnomAD 0.00419 and 0.00451; 1000 Genomes Project 0.00439; TOPMed 0.00472; 1000 Genomes Project 30x 0.00484; gnomAD exomes 0.00746.
gnomAD v4.1: 630 of 152,474 alleles (0.41%); highest among the groups gnomAD compares: African/African-American, 1.5%; 4 homozygotes.

Submission:

Illumina Laboratory Services, Illumina
Classification: Likely benign for Ehlers-Danlos syndrome, dermatosparaxis type. Last evaluated: 2018-01-12. Review status: criteria provided, single submitter. Criteria: ICSL Variant Classification Criteria 13 December 2019. Collection method: clinical testing. Allele origin: germline.
Comment: This variant was observed in the ICSL laboratory as part of a predisposition screen in an ostensibly healthy population. It had not been previously curated by ICSL or reported in the Human Gene Mutation Database (HGMD: prior to June 1st, 2018), and was therefore a candidate for classification through an automated scoring system. Utilizing variant allele frequency, disease prevalence and penetrance estimates, and inheritance mode, an automated score was calculated to assess if this variant is too frequent to cause the disease. Based on the score and internal cut-off values, a variant classified as likely benign is not then subjected to further curation. The score for this variant resulted in a classification of likely benign for this disease.

NM_014244.5(ADAMTS2):c.*977G>A

Gene: ADAMTS2 (ADAM metallopeptidase with thrombospondin type 1 motif 2; minus strand). Cytogenetic location: 5q35.3.
Variant type: single nucleotide variant.
Coding change: c.*977G>A on transcript NM_014244.5 (MANE Select); 977 bases downstream of the stop codon, G replaced by A.
Molecular consequence: 3 prime UTR variant.
Genome position (GRCh38, 1-based): chr5:179,112,890, C>T on the plus strand (G>A on the coding strand, the complement: ADAMTS2 is on the minus strand). VCF-style: chr5-179112890-C-T. GRCh37 (hg19) VCF-style: chr5-178539891-C-T.
Identifiers: ClinVar variation 353069 (VCV000353069.5), dbSNP rs138084603, ClinGen allele CA10624361.